The following is an entry in ClinVar:

NM_013352.4(DSE):c.2344G>T (p.Asp782Tyr)

Gene: DSE (dermatan sulfate epimerase; plus strand). Cytogenetic location: 6q22.1.
Variant type: single nucleotide variant.
Coding change: c.2344G>T on transcript NM_013352.4 (MANE Select); coding-DNA position 2344, G replaced by T.
Protein change: p.Asp782Tyr; replaces aspartic acid 782 with tyrosine.
Molecular consequence: missense variant. On other transcripts: 3 prime UTR variant (2), non-coding transcript variant (1).
Genome position (GRCh38, 1-based): chr6:116,436,812, G>T. VCF-style: chr6-116436812-G-T. GRCh37 (hg19) VCF-style: chr6-116757975-G-T.
Other names: c.2344G>T, p.Asp782Tyr (NM_001080976.3, NM_001322937.2, NM_001322938.2); c.2401G>T, p.Asp801Tyr (NM_001322939.2); c.1783G>T, p.Asp595Tyr (NM_001322940.2, NM_001322941.2); c.*1209G>T (NM_001322943.2, NM_001322944.2); c.1345G>T, p.Asp449Tyr (NM_001374520.1); c.1309G>T, p.Asp437Tyr (NM_001374521.1); c.2344G>T (NM_013352.2); short protein forms D437Y, D449Y, D595Y, D782Y, D801Y.
Identifiers: ClinVar variation 1434842 (VCV001434842.5), dbSNP rs140764351, ClinGen allele CA3969799.

ClinVar aggregate classification (germline): Uncertain significance. Review status: criteria provided, multiple submitters, no conflicts (2 of 4 stars). 3 submissions from 3 submitters: Uncertain significance (3). Last evaluated 2024-12-03.

Conditions:
Ehlers-Danlos syndrome, musculocontractural type 2 (EDSMC2). Identifiers: Orphanet 2953, MedGen C3809845, MONDO:0014236, OMIM 615539.
Inborn genetic diseases. Identifiers: MedGen C0950123, MeSH D030342.

Allele frequency attached by ClinVar (database versions not stated): ExAC 0.00001; TOPMed 0.00001; gnomAD exomes 0.00002 and 0.00012; gnomAD 0.00003 and 0.00004; ESP Exome Variant Server 0.00008.
gnomAD v4.1: 172 of 1,614,026 alleles (0.011%); highest among the groups gnomAD compares: Non-Finnish European, 0.014%; no homozygotes.

Submissions (3):

Women's Health and Genetics/Laboratory Corporation of America, LabCorp
Classification: Uncertain significance. Last evaluated: 2024-12-03. Review status: criteria provided, single submitter. Criteria: LabCorp Variant Classification Summary - May 2015. Collection method: clinical testing. Allele origin: germline.
Comment: Variant summary: DSE c.2344G>T (p.Asp782Tyr) results in a non-conservative amino acid change in the encoded protein sequence. Four of five in-silico tools predict a damaging effect of the variant on protein function. The variant allele was found at a frequency of 2.4e-05 in 250992 control chromosomes. The available data on variant occurrences in the general population are insufficient to allow any conclusion about variant significance. To our knowledge, no occurrence of c.2344G>T in individuals affected with Ehlers-Danlos syndrome, musculocontractural type 2 and no experimental evidence demonstrating its impact on protein function have been reported. ClinVar contains an entry for this variant (Variation ID: 1434842). Based on the evidence outlined above, the variant was classified as uncertain significance.

Ambry Genetics
Classification: Uncertain significance for Inborn genetic diseases. Last evaluated: 2024-03-28. Review status: criteria provided, single submitter. Criteria: Ambry Variant Classification Scheme 2023. Collection method: clinical testing. Allele origin: germline.

Labcorp Genetics (formerly Invitae), Labcorp
Classification: Uncertain significance for Ehlers-Danlos syndrome, musculocontractural type 2. Last evaluated: 2021-10-12. Review status: criteria provided, single submitter. Criteria: Invitae Variant Classification Sherloc (09022015). Collection method: clinical testing. Allele origin: germline.
Comment: This sequence change replaces aspartic acid with tyrosine at codon 782 of the DSE protein (p.Asp782Tyr). The aspartic acid residue is highly conserved and there is a large physicochemical difference between aspartic acid and tyrosine. This variant is present in population databases (rs140764351, ExAC 0.01%). This variant has not been reported in the literature in individuals affected with DSE-related conditions. Algorithms developed to predict the effect of missense changes on protein structure and function are either unavailable or do not agree on the potential impact of this missense change (SIFT: "Not Available"; PolyPhen-2: "Probably Damaging"; Align-GVGD: "Not Available"). In summary, the available evidence is currently insufficient to determine the role of this variant in disease. Therefore, it has been classified as a Variant of Uncertain Significance.